The following is an entry in ClinVar:

NM_004370.6(COL12A1):c.5174C>T (p.Thr1725Ile)

Gene: COL12A1 (collagen type XII alpha 1 chain; minus strand). Cytogenetic location: 6q13.
Variant type: single nucleotide variant.
Coding change: c.5174C>T on transcript NM_004370.6 (MANE Select); coding-DNA position 5174, C replaced by T.
Protein change: p.Thr1725Ile; replaces threonine 1725 with isoleucine.
Molecular consequence: missense variant.
Genome position (GRCh38, 1-based): chr6:75,138,504, G>A on the plus strand (C>T on the coding strand, the complement: COL12A1 is on the minus strand). VCF-style: chr6-75138504-G-A. GRCh37 (hg19) VCF-style: chr6-75848220-G-A.
Other names: c.1682C>T, p.Thr561Ile (NM_080645.3); short protein forms T1725I, T561I.
Identifiers: ClinVar variation 1432360 (VCV001432360.8), dbSNP rs370108747, ClinGen allele CA3893237.
Genomic context (GRCh38, chr6:75,138,504, plus strand): 5'-CTACGTGTGCGCTCACTGCCAATCAGGTCATCACTTTCTGACTCATCAGGATAGATGGCA[G>A]TAATGGAAACTTCATAGATGGTGTTGGGGTTCAGGTTTTCGAACACCAAAGTGTTTTCAT-3'
Protein context (NP_004361.3, residues 1715-1735): NPNTIYEVSI[Thr1725Ile]AIYPDESESD

ClinVar aggregate classification (germline): Uncertain significance (1 of 4 stars; one submission).

Conditions:
Ullrich congenital muscular dystrophy 2 (UCMD2). Identifiers: Orphanet 75840, MedGen C4225314, MONDO:0014654, OMIM 616470.
Bethlem myopathy 2 (BTHLM2). Identifiers: Orphanet 536516, Orphanet 610, MedGen C4225313, MONDO:0034022, OMIM 616471.

Allele frequency attached by ClinVar (database versions not stated): TOPMed 0.00001; gnomAD 0.00001.
gnomAD v4.1: 6 of 1,613,950 alleles (0.00037%); highest among the groups gnomAD compares: Non-Finnish European, 0.00051%; no homozygotes.

Submission:

Labcorp Genetics (formerly Invitae), Labcorp
Classification: Uncertain significance for Bethlem myopathy 2; Ullrich congenital muscular dystrophy 2. Last evaluated: 2021-02-16. Review status: criteria provided, single submitter. Criteria: Invitae Variant Classification Sherloc (09022015). Collection method: clinical testing. Allele origin: germline.
Comment: This sequence change replaces threonine with isoleucine at codon 1725 of the COL12A1 protein (p.Thr1725Ile). The threonine residue is highly conserved and there is a moderate physicochemical difference between threonine and isoleucine. This variant is present in population databases (rs370108747, ExAC 0.002%). This variant has not been reported in the literature in individuals with COL12A1-related conditions. Algorithms developed to predict the effect of missense changes on protein structure and function are either unavailable or do not agree on the potential impact of this missense change (SIFT: "Deleterious"; PolyPhen-2: "Probably Damaging"; Align-GVGD: "Class C0"). In summary, the available evidence is currently insufficient to determine the role of this variant in disease. Therefore, it has been classified as a Variant of Uncertain Significance.